The following is an entry in ClinVar:

NM_001024630.4(RUNX2):c.455C>T (p.Thr152Ile)

Gene: RUNX2 (RUNX family transcription factor 2; plus strand). Cytogenetic location: 6p21.1.
Variant type: single nucleotide variant.
Coding change: c.455C>T on transcript NM_001024630.4 (MANE Select); coding-DNA position 455, C replaced by T.
Protein change: p.Thr152Ile; replaces threonine 152 with isoleucine.
Molecular consequence: missense variant.
Genome position (GRCh38, 1-based): chr6:45,431,894, C>T. VCF-style: chr6-45431894-C-T. GRCh37 (hg19) VCF-style: chr6-45399631-C-T.
Other names: c.455C>T, p.Thr152Ile (NM_001015051.4); c.413C>T, p.Thr138Ile (NM_001278478.2, NM_001369405.1); short protein forms T138I, T152I.
Identifiers: ClinVar variation 4839245 (VCV004839245.1).

ClinVar aggregate classification (germline): Uncertain significance (1 of 4 stars; one submission).

Conditions:
Inborn genetic diseases. Identifiers: MedGen C0950123, MeSH D030342.

gnomAD v4.1: 3 of 1,614,004 alleles (0.00019%); highest among the groups gnomAD compares: African/African-American, 0.004%; no homozygotes.

Submission:

Ambry Genetics
Classification: Uncertain significance for Inborn genetic diseases. Last evaluated: 2026-01-14. Review status: criteria provided, single submitter. Criteria: Ambry Variant Classification Scheme 2023. Collection method: clinical testing. Allele origin: germline.
Comment: The c.455C>T (p.T152I) alteration is located in exon 4 (coding exon 3) of the RUNX2 gene. This alteration results from a C to T substitution at nucleotide position 455, causing the threonine (T) at amino acid position 152 to be replaced by an isoleucine (I). Based on data from gnomAD, the T allele has an overall frequency of 0.001% (2/282894) total alleles studied. The highest observed frequency was 0.008% (2/24970) of African alleles. Based on insufficient or conflicting evidence, the clinical significance of this alteration remains unclear.